The following is an entry in ClinVar:

ClinVar aggregate classification (germline): Pathogenic. Review status: criteria provided, multiple submitters, no conflicts (2 of 4 stars). 3 submissions from 3 submitters: Pathogenic (2). 1 of the submissions does not count toward it. Last evaluated 2023-09-14.

Conditions:
Tuberous sclerosis 2 (TSC2). Identifiers: Orphanet 805, MedGen C1860707, MONDO:0013199, OMIM 613254.
Tuberous sclerosis syndrome (TSC). Also called: Tuberous Sclerosis Complex; Tuberous sclerosis. Identifiers: Orphanet 805, MedGen C0041341, MONDO:0001734.

Submissions (3):

Labcorp Genetics (formerly Invitae), Labcorp
Classification: Pathogenic for Tuberous sclerosis 2. Last evaluated: 2023-09-14. Review status: criteria provided, single submitter. Criteria: Invitae Variant Classification Sherloc (09022015). Collection method: clinical testing. Allele origin: germline.
Comment: ClinVar contains an entry for this variant (Variation ID: 65369). Disruption of this splice site has been observed in individual(s) with tuberculosis sclerosis complex (PMID: 32211034). In at least one individual the variant was observed to be de novo. This variant is not present in population databases (gnomAD no frequency). This sequence change affects an acceptor splice site in intron 37 of the TSC2 gene. It is expected to disrupt RNA splicing. Variants that disrupt the donor or acceptor splice site typically lead to a loss of protein function (PMID: 16199547), and loss-of-function variants in TSC2 are known to be pathogenic (PMID: 10205261, 17304050). Algorithms developed to predict the effect of sequence changes on RNA splicing suggest that this variant may disrupt the consensus splice site. For these reasons, this variant has been classified as Pathogenic.

Division of Genomic Medicine, Department of Advanced Medicine, Medical Research Institute, Kanazawa Medical University
Classification: Pathogenic for Tuberous sclerosis 2. Last evaluated: 2020-07-10. Review status: criteria provided, single submitter. Criteria: ACMG Guidelines, 2015. Collection method: clinical testing. Allele origin: germline. Affected: yes. Observed: 1 variant allele.

Tuberous sclerosis database (TSC2)
No classification provided. Condition: TSC. Review status: no classification provided. Criteria: Tuberous Sclerosis Database Assertion Criteria 2015. Collection method: curation. Allele origin: germline. Affected: yes. Not counted in ClinVar's aggregate classification.

Literature cited by the submitters: PubMed 32211034 (cited by Labcorp Genetics (formerly Invitae), Labcorp); PubMed 16199547 (cited by Labcorp Genetics (formerly Invitae), Labcorp); PubMed 10205261 (cited by Labcorp Genetics (formerly Invitae), Labcorp); PubMed 17304050 (cited by Labcorp Genetics (formerly Invitae), Labcorp).

NM_000548.5(TSC2):c.4850-2A>G

Gene: TSC2 (TSC complex subunit 2; plus strand). Cytogenetic location: 16p13.3.
Variant type: single nucleotide variant.
Coding change: c.4850-2A>G on transcript NM_000548.5 (MANE Select); the canonical splice acceptor site of the intron before coding-DNA position 4850, A replaced by G.
Molecular consequence: splice acceptor variant.
Genome position (GRCh38, 1-based): chr16:2,086,730, A>G. VCF-style: chr16-2086730-A-G. GRCh37 (hg19) VCF-style: chr16-2136731-A-G.
Other names: c.3308-2A>G (NM_001406693.1, NM_001406692.1, NM_001406694.1); c.4742-2A>G (NM_001406667.1); c.4739-2A>G (NM_001406668.1); c.4250-2A>G (NM_001406680.1); c.4181-2A>G (NM_001406683.1, NM_001406682.1); c.4049-2A>G (NM_001406687.1, NM_001406688.1); c.3437-2A>G (NM_001406689.1); c.3377-2A>G (NM_001406690.1); and 26 more.
Identifiers: ClinVar variation 65369 (VCV000065369.6), dbSNP rs397515315, ClinGen allele CA021123.
Genomic context (GRCh38, chr16:2,086,730, plus strand): 5'-TGCAAGGCACAGAGGGCCTCAGCACTGGCCCCACAAACCCATCCGGCCCTGCTCACCCTC[A>G]GCCGTCTTCCACATCGCCACCCTGATGCCCACCAAGGACGTGGACAAGCACCGCTGCGAC-3'